The following is an entry in ClinVar:

NM_002693.3(POLG):c.3662A>C (p.Tyr1221Ser)

Genes: FANCI (FA complementation group I; plus strand), POLG (DNA polymerase gamma, catalytic subunit; minus strand). Cytogenetic location: 15q26.1.
Variant type: single nucleotide variant.
Coding change: c.3662A>C on transcript NM_002693.3 (MANE Select); coding-DNA position 3662, A replaced by C.
Protein change: p.Tyr1221Ser; replaces tyrosine 1221 with serine.
Molecular consequence: missense variant. On other transcripts: 3 prime UTR variant (4).
Genome position (GRCh38, 1-based): chr15:89,316,809, T>G on the plus strand (A>C on the coding strand, the complement: POLG is on the minus strand). VCF-style: chr15-89316809-T-G. GRCh37 (hg19) VCF-style: chr15-89860040-T-G.
Other names: c.3662A>C, p.Tyr1221Ser (NM_001126131.2); c.*350T>G (NM_001113378.2, NM_001376910.1, NM_001376911.1 and 1 more transcripts); short protein forms Y1221S.
Identifiers: ClinVar variation 586362 (VCV000586362.2), dbSNP rs1567183150, ClinGen allele CA393747001.

ClinVar aggregate classification (germline): Uncertain significance (1 of 4 stars; one submission).

Submission:

Athena Diagnostics
Classification: Uncertain significance. Last evaluated: 2023-08-23. Review status: criteria provided, single submitter. Criteria: Athena Diagnostics Criteria. Collection method: clinical testing. Allele origin: unknown.
Comment: Available data are insufficient to determine the clinical significance of the variant at this time. This variant has not been reported in large, multi-ethnic general populations. Computational tools predict that this variant is damaging.